The following is an entry in ClinVar:

NM_020822.3(KCNT1):c.1962C>T (p.His654=)

Gene: KCNT1 (potassium sodium-activated channel subfamily T member 1; plus strand). Cytogenetic location: 9q34.3.
Variant type: single nucleotide variant.
Coding change: c.1962C>T on transcript NM_020822.3 (MANE Select); coding-DNA position 1962, C replaced by T.
Protein change: p.His654=; no amino-acid change (histidine 654 retained).
Molecular consequence: synonymous variant.
Genome position (GRCh38, 1-based): chr9:135,771,049, C>T. VCF-style: chr9-135771049-C-T. GRCh37 (hg19) VCF-style: chr9-138662895-C-T.
Other names: c.1827C>T, p.His609= (NM_001272003.2).
Identifiers: ClinVar variation 669367 (VCV000669367.58), dbSNP rs141759469, ClinGen allele CA5327119.

ClinVar aggregate classification (germline): Likely benign. Review status: criteria provided, multiple submitters, no conflicts (2 of 4 stars). 7 submissions from 6 submitters: Likely benign (6). 1 of the submissions does not count toward it. Last evaluated 2025-10-01.

Conditions:
Inborn genetic diseases. Identifiers: MedGen C0950123, MeSH D030342.
Developmental and epileptic encephalopathy, 14 (DEE14). Also called: Early infantile epileptic encephalopathy 14. Identifiers: Orphanet 293181, MedGen C3554195, MONDO:0013989, OMIM 614959.
Autosomal dominant nocturnal frontal lobe epilepsy 5. Also called: CILIARY DYSKINESIA, PRIMARY, 28, WITHOUT SITUS INVERSUS; CILIARY DYSKINESIA, PRIMARY, 28, WITH SITUS INVERSUS; Epilepsy, nocturnal frontal lobe, 5; KCNT1-Related Epilepsy. Identifiers: Orphanet 98784, MedGen C3554306, MONDO:0014002, OMIM 615005.
KCNT1-related disorder. Also called: KCNT1-related condition.

Allele frequency attached by ClinVar (database versions not stated): TOPMed 0.00005; gnomAD 0.00006 and 0.00007; ESP Exome Variant Server 0.00008; gnomAD exomes 0.00008 and 0.00010; ExAC 0.00009; 1000 Genomes Project 30x 0.00047; 1000 Genomes Project 0.00060.
gnomAD v4.1: 130 of 1,612,406 alleles (0.0081%); highest among the groups gnomAD compares: Non-Finnish European, 0.01%; no homozygotes.

Submissions (7):

CeGaT Center for Human Genetics Tuebingen
Classification: Likely benign. Last evaluated: 2025-10-01. Review status: criteria provided, single submitter. Criteria: CeGaT Center For Human Genetics Tuebingen Variant Classification Criteria Version 2. Collection method: clinical testing. Allele origin: germline. Affected: yes. Observed: 4 variant alleles.
Comment: KCNT1: BP4, BP7

Labcorp Genetics (formerly Invitae), Labcorp
Classification: Likely benign for Autosomal dominant nocturnal frontal lobe epilepsy 5; Developmental and epileptic encephalopathy, 14. Last evaluated: 2025-08-08. Review status: criteria provided, single submitter. Criteria: Invitae Variant Classification Sherloc (09022015). Collection method: clinical testing. Allele origin: germline.

Genome-Nilou Lab
Classification: Likely benign for Developmental and epileptic encephalopathy, 14. Last evaluated: 2022-03-15. Review status: criteria provided, single submitter. Criteria: ACMG Guidelines, 2015. Collection method: clinical testing. Allele origin: germline. Affected: no.

Genome-Nilou Lab
Classification: Likely benign for Autosomal dominant nocturnal frontal lobe epilepsy 5. Last evaluated: 2022-03-15. Review status: criteria provided, single submitter. Criteria: ACMG Guidelines, 2015. Collection method: clinical testing. Allele origin: germline. Affected: no.

GeneDx
Classification: Likely benign. Last evaluated: 2020-11-10. Review status: criteria provided, single submitter. Criteria: GeneDx Variant Classification Process June 2021. Collection method: clinical testing. Allele origin: germline. Affected: yes.

Ambry Genetics
Classification: Likely benign for Inborn genetic diseases. Last evaluated: 2017-07-13. Review status: criteria provided, single submitter. Criteria: Ambry Variant Classification Scheme 2023. Collection method: clinical testing. Allele origin: germline.

PreventionGenetics, part of Exact Sciences
Classification: Likely benign for KCNT1-related condition. Last evaluated: 2019-03-06. Review status: no assertion criteria provided. Collection method: clinical testing. Allele origin: germline. Not counted in ClinVar's aggregate classification.
Comment: This variant is classified as likely benign based on ACMG/AMP sequence variant interpretation guidelines (Richards et al. 2015 PMID: 25741868, with internal and published modifications).